The following is an entry in ClinVar:

NM_001127255.2(NLRP7):c.467G>A (p.Arg156Gln)

Gene: NLRP7 (NLR family pyrin domain containing 7; minus strand). Cytogenetic location: 19q13.42.
Variant type: single nucleotide variant.
Coding change: c.467G>A on transcript NM_001127255.2 (MANE Select); coding-DNA position 467, G replaced by A.
Protein change: p.Arg156Gln; replaces arginine 156 with glutamine.
Molecular consequence: missense variant.
Genome position (GRCh38, 1-based): chr19:54,940,352, C>T on the plus strand (G>A on the coding strand, the complement: NLRP7 is on the minus strand). VCF-style: chr19-54940352-C-T. GRCh37 (hg19) VCF-style: chr19-55451720-C-T.
Other names: c.467G>A, p.Arg156Gln (NM_001405531.1, NM_139176.4, NM_206828.4); short protein forms R156Q.
Identifiers: ClinVar variation 894311 (VCV000894311.30), dbSNP rs61746625, ClinGen allele CA310019681.

ClinVar aggregate classification (germline): Benign/Likely benign. Review status: criteria provided, multiple submitters, no conflicts (2 of 4 stars). 4 submissions from 4 submitters: Benign (1); Likely benign (3). Last evaluated 2026-07-01.

Conditions:
Hydatidiform mole, recurrent, 1 (HYDM1). Identifiers: Orphanet 254688, Orphanet 99927, MedGen C3463897, MONDO:0009273, OMIM 231090. Disease mechanism: loss of function.

Allele frequency attached by ClinVar (database versions not stated): 1000 Genomes Project 30x 0.00156; 1000 Genomes Project 0.00160; TOPMed 0.00652; ExAC 0.00710; gnomAD exomes 0.00725; gnomAD 0.00726 and 0.00759; ESP Exome Variant Server 0.01046.
gnomAD v4.1: 16,803 of 1,614,104 alleles (1%); highest among the groups gnomAD compares: Non-Finnish European, 1.3%; 106 homozygotes.

Submissions (4):

CeGaT Center for Human Genetics Tuebingen
Classification: Benign. Last evaluated: 2026-07-01. Review status: criteria provided, single submitter. Criteria: CeGaT Center For Human Genetics Tuebingen Variant Classification Criteria Version 2. Collection method: clinical testing. Allele origin: germline. Affected: yes. Observed: 2 variant alleles.
Comment: NLRP7: BP4, BS1, BS2

Fulgent Genetics
Classification: Likely benign for Hydatidiform mole, recurrent, 1. Last evaluated: 2021-12-06. Review status: criteria provided, single submitter. Criteria: ACMG Guidelines, 2015. Collection method: clinical testing. Allele origin: unknown.

Illumina Laboratory Services, Illumina
Classification: Likely benign for Hydatidiform mole, recurrent, 1. Last evaluated: 2017-04-27. Review status: criteria provided, single submitter. Criteria: ICSL Variant Classification Criteria 13 December 2019. Collection method: clinical testing. Allele origin: germline.
Comment: This variant was observed as part of a predisposition screen in an ostensibly healthy population. A literature search was performed for the gene, cDNA change, and amino acid change (where applicable). No publications were found based on this search. Allele frequency data from public databases allowed determination this variant is unlikely to cause disease. Therefore, this variant is classified as likely benign.

Breakthrough Genomics
Classification: Likely benign. Review status: criteria provided, single submitter. Criteria: ACMG Guidelines, 2015. Collection method: not provided. Allele origin: germline. Inheritance: Autosomal recessive inheritance. Affected: yes.